The following is an entry in ClinVar:

ClinVar aggregate classification (germline): Uncertain significance. Review status: criteria provided, multiple submitters, no conflicts (2 of 4 stars). 2 submissions from 2 submitters: Uncertain significance (2). Last evaluated 2023-10-13.

Conditions:
Spermatogenic failure 18. Identifiers: MedGen C4539783, MONDO:0054615, OMIM 617576.
Ciliary dyskinesia, primary, 37 (CILD37). Also called: CILIARY DYSKINESIA, PRIMARY, 37, WITH OR WITHOUT SITUS INVERSUS. Identifiers: MedGen C4539798, MONDO:0033204, OMIM 617577.

Allele frequency attached by ClinVar (database versions not stated): gnomAD 0.00004 and 0.00005; TOPMed 0.00006; gnomAD exomes 0.00009.
gnomAD v4.1: 134 of 1,602,130 alleles (0.0084%); highest among the groups gnomAD compares: Non-Finnish European, 0.011%; 1 homozygote.

Submissions (2):

Labcorp Genetics (formerly Invitae), Labcorp
Classification: Uncertain significance for Ciliary dyskinesia, primary, 37; Spermatogenic failure 18. Last evaluated: 2023-10-13. Review status: criteria provided, single submitter. Criteria: Invitae Variant Classification Sherloc (09022015). Collection method: clinical testing. Allele origin: germline.
Comment: This sequence change replaces threonine, which is neutral and polar, with methionine, which is neutral and non-polar, at codon 511 of the DNAH1 protein (p.Thr511Met). This variant is present in population databases (rs200623391, gnomAD 0.009%). This variant has not been reported in the literature in individuals affected with DNAH1-related conditions. ClinVar contains an entry for this variant (Variation ID: 662067). Algorithms developed to predict the effect of missense changes on protein structure and function output the following: SIFT: "Not Available"; PolyPhen-2: "Benign"; Align-GVGD: "Not Available". The methionine amino acid residue is found in multiple mammalian species, which suggests that this missense change does not adversely affect protein function. In summary, the available evidence is currently insufficient to determine the role of this variant in disease. Therefore, it has been classified as a Variant of Uncertain Significance.

Blueprint Genetics
Classification: Uncertain significance. Last evaluated: 2023-02-10. Review status: criteria provided, single submitter. Criteria: ACMG Guidelines, 2015. Collection method: clinical testing. Allele origin: germline.

NM_015512.5(DNAH1):c.1532C>T (p.Thr511Met)

Gene: DNAH1 (dynein axonemal heavy chain 1; plus strand). Cytogenetic location: 3p21.1.
Variant type: single nucleotide variant.
Coding change: c.1532C>T on transcript NM_015512.5 (MANE Select); coding-DNA position 1532, C replaced by T.
Protein change: p.Thr511Met; replaces threonine 511 with methionine.
Molecular consequence: missense variant.
Genome position (GRCh38, 1-based): chr3:52,345,582, C>T. VCF-style: chr3-52345582-C-T. GRCh37 (hg19) VCF-style: chr3-52379598-C-T.
Other names: short protein forms T511M.
Identifiers: ClinVar variation 662067 (VCV000662067.7), dbSNP rs200623391, ClinGen allele CA74737216.
Genomic context (GRCh38, chr3:52,345,582, plus strand): 5'-TCTGGGAGCAGAAGGAGGACTTCACTTTCGTGTCCCTGCTCACACGGCCAGAGGTCATCA[C>T]GGCCCTCAGCAAGGTGAGGGCCGAGTGCAACAAGGTGACCGCCATGTCCCTGTTCCACTC-3'
Protein context (NP_056327.4, residues 501-521): VSLLTRPEVI[Thr511Met]ALSKVRAECN